The following is an entry in ClinVar:

ClinVar aggregate classification (germline): Uncertain significance (1 of 4 stars; one submission).

gnomAD v4.1: 1 of 1,551,184 alleles (0.000064%); highest among the groups gnomAD compares: Non-Finnish European, 0.000089%; no homozygotes.

Submission:

Ambry Genetics
Classification: Uncertain significance. Last evaluated: 2024-10-23. Review status: criteria provided, single submitter. Criteria: Ambry Variant Classification Scheme 2023. Collection method: clinical testing. Allele origin: germline.
Comment: The p.T241I variant (also known as c.722C>T), located in coding exon 5 of the POLQ gene, results from a C to T substitution at nucleotide position 722. The threonine at codon 241 is replaced by isoleucine, an amino acid with similar properties. This amino acid position is conserved. In addition, this alteration is predicted to be tolerated by in silico analysis. Based on the available evidence, the clinical significance of this variant remains unclear.

NM_199420.4(POLQ):c.722C>T (p.Thr241Ile)

Gene: POLQ (DNA polymerase theta; minus strand). Cytogenetic location: 3q13.33.
Variant type: single nucleotide variant.
Coding change: c.722C>T on transcript NM_199420.4 (MANE Select); coding-DNA position 722, C replaced by T.
Protein change: p.Thr241Ile; replaces threonine 241 with isoleucine.
Molecular consequence: missense variant.
Genome position (GRCh38, 1-based): chr3:121,537,118, G>A on the plus strand (C>T on the coding strand, the complement: POLQ is on the minus strand). VCF-style: chr3-121537118-G-A. GRCh37 (hg19) VCF-style: chr3-121255965-G-A.
Other names: short protein forms T241I.
Identifiers: ClinVar variation 3422614 (VCV003422614.1).